The following is an entry in ClinVar:

ClinVar aggregate classification (germline): Pathogenic. Review status: criteria provided, multiple submitters, no conflicts (2 of 4 stars). 3 submissions from 3 submitters: Pathogenic (2). 1 of the submissions does not count toward it. Last evaluated 2023-10-11.

Conditions:
Tuberous sclerosis syndrome (TSC). Also called: Tuberous Sclerosis Complex; Tuberous sclerosis. Identifiers: Orphanet 805, MedGen C0041341, MONDO:0001734.
Tuberous sclerosis 2 (TSC2). Identifiers: Orphanet 805, MedGen C1860707, MONDO:0013199, OMIM 613254.
Lymphangiomyomatosis (LAM). Also called: Lymphangioleiomyomatosis; Lymphangioleiomyomatosis, somatic. Identifiers: Orphanet 538, MedGen C0751674, MONDO:0011705, OMIM 606690.

Submissions (3):

Institute of Medical Genetics and Applied Genomics, University Hospital Tübingen
Classification: Pathogenic for Tuberous sclerosis syndrome. Last evaluated: 2023-10-11. Review status: criteria provided, single submitter. Criteria: ACMG Guidelines, 2015. Collection method: clinical testing. Allele origin: germline. Inheritance: Autosomal dominant inheritance. Affected: yes.

Labcorp Genetics (formerly Invitae), Labcorp
Classification: Pathogenic for Tuberous sclerosis 2. Last evaluated: 2022-01-17. Review status: criteria provided, single submitter. Criteria: Invitae Variant Classification Sherloc (09022015). Collection method: clinical testing. Allele origin: germline.
Comment: This sequence change replaces glycine, which is neutral and non-polar, with arginine, which is basic and polar, at codon 294 of the TSC2 protein (p.Gly294Arg). For these reasons, this variant has been classified as Pathogenic. Advanced modeling of protein sequence and biophysical properties (such as structural, functional, and spatial information, amino acid conservation, physicochemical variation, residue mobility, and thermodynamic stability) performed at Invitae indicates that this missense variant is expected to disrupt TSC2 protein function. ClinVar contains an entry for this variant (Variation ID: 49402). This missense change has been observed in individual(s) with clinical features of tuberous sclerosis (PMID: 11208653, 32410215). In at least one individual the variant was observed to be de novo. This variant is not present in population databases (gnomAD no frequency).

Tuberous sclerosis database (TSC2)
No classification provided. Condition: TSC; LAM. Review status: no classification provided. Criteria: Tuberous Sclerosis Database Assertion Criteria 2015. Collection method: curation. Allele origin: germline. Affected: yes. Not counted in ClinVar's aggregate classification.

Literature cited by the submitters: PubMed 11208653 (cited by Labcorp Genetics (formerly Invitae), Labcorp); PubMed 32410215 (cited by Labcorp Genetics (formerly Invitae), Labcorp).

NM_000548.5(TSC2):c.880G>A (p.Gly294Arg)

Gene: TSC2 (TSC complex subunit 2; plus strand). Cytogenetic location: 16p13.3.
Variant type: single nucleotide variant.
Coding change: c.880G>A on transcript NM_000548.5 (MANE Select); coding-DNA position 880, G replaced by A.
Protein change: p.Gly294Arg; replaces glycine 294 with arginine.
Molecular consequence: missense variant.
Genome position (GRCh38, 1-based): chr16:2,058,778, G>A. VCF-style: chr16-2058778-G-A. GRCh37 (hg19) VCF-style: chr16-2108779-G-A.
Other names: c.880G>A, p.Gly294Arg (NM_001077183.3, NM_001114382.3, NM_001363528.2 and 3 more transcripts); c.769G>A, p.Gly257Arg (NM_001318827.2); c.733G>A, p.Gly245Arg (NM_001318829.2); c.280G>A, p.Gly94Arg (NM_001318831.2); c.913G>A, p.Gly305Arg (NM_001318832.2); short protein forms G294R, G245R, G305R, G257R, G94R.
Identifiers: ClinVar variation 49402 (VCV000049402.6), dbSNP rs45517139, ClinGen allele CA023075.